The following is an entry in ClinVar:

ClinVar aggregate classification (germline): Likely pathogenic (1 of 4 stars; one submission).

Conditions:
Dilated cardiomyopathy 1G (CMD1G). Identifiers: Orphanet 154, MedGen C1858763, MONDO:0011400, OMIM 604145.
Autosomal recessive limb-girdle muscular dystrophy type 2J (LGMDR10). Also called: Limb-girdle muscular dystrophy, type 2J; MUSCULAR DYSTROPHY, LIMB-GIRDLE, AUTOSOMAL RECESSIVE 10. Identifiers: Orphanet 140922, MedGen C1837342, MONDO:0012127, OMIM 608807.

Submission:

Labcorp Genetics (formerly Invitae), Labcorp
Classification: Likely pathogenic for Dilated cardiomyopathy 1G; Autosomal recessive limb-girdle muscular dystrophy type 2J. Last evaluated: 2024-10-18. Review status: criteria provided, single submitter. Criteria: Invitae Variant Classification Sherloc (09022015). Collection method: clinical testing. Allele origin: germline.
Comment: This sequence change creates a premature translational stop signal (p.Ile14764Trpfs*44) in the TTN gene. While this is not anticipated to result in nonsense mediated decay, it is expected to create a truncated TTN protein. This variant is not present in population databases (gnomAD no frequency). This variant has not been reported in the literature in individuals affected with TTN-related conditions. ClinVar contains an entry for this variant (Variation ID: 1006365). This variant is located in the I band of TTN (PMID: 25589632). Truncating variants in this region have been reported in individuals affected with autosomal recessive centronuclear myopathy (PMID: 23975875, internal data). Truncating variants in this region have also been identified in individuals affected with autosomal dominant dilated cardiomyopathy and/or cardio-related conditions (PMID: 27869827, 32964742, internal data). In summary, the currently available evidence indicates that the variant is pathogenic, but additional data are needed to prove that conclusively. Therefore, this variant has been classified as Likely Pathogenic.

Literature cited by the submitters: PubMed 25589632; PubMed 23975875; PubMed 27869827; PubMed 32964742.

NM_001267550.2(TTN):c.44289_44290del (p.Ile14764fs)

Gene: TTN (titin; minus strand). Cytogenetic location: 2q31.2.
Variant type: Deletion.
Coding change: c.44289_44290del on transcript NM_001267550.2 (MANE Select); coding-DNA positions 44289 to 44290, 2 bases deleted (AA; older notation c.44289_44290delAA).
Protein change: p.Ile14764fs; shifts the reading frame from isoleucine 14764.
Molecular consequence: frameshift variant.
Genome position (GRCh38, 1-based): chr2:178,629,435-178,629,436, TT deleted on the plus strand (AA on the coding strand, the reverse complement: TTN is on the minus strand). VCF-style (leftmost placement, unchanged base first): chr2-178629434-ATT-A. GRCh37 (hg19) VCF-style: chr2-179494161-ATT-A.
Other names: c.39366_39367del, p.Ile13123fs (NM_001256850.1); c.17094_17095del, p.Ile5699fs (NM_003319.4); c.36585_36586del, p.Ile12196fs (NM_133378.4); c.17469_17470del, p.Ile5824fs (NM_133432.3); c.17670_17671del, p.Ile5891fs (NM_133437.4); short protein forms I12196fs, I13123fs, I14764fs, I5699fs, I5824fs, I5891fs.
Identifiers: ClinVar variation 1006365 (VCV001006365.9), dbSNP rs2059501959, ClinGen allele CA1310555537.